The following is an entry in ClinVar:

ClinVar aggregate classification (germline): Likely pathogenic. Review status: reviewed by expert panel (3 of 4 stars). 4 submissions from 4 submitters: Likely pathogenic (1). 3 of the submissions do not count toward it. Last evaluated 2022-06-30.

Conditions:
Primary Mitochondrial Disorders. Identifiers: MedGen CN381104.
Mitochondrial disease. Also called: Mitochondrial disorder; Mitochondrial disorders. Identifiers: Orphanet 68380, MedGen C0751651, MeSH D028361, MONDO:0044970.
Histiocytoid cardiomyopathy. Also called: FOAMY MYOCARDIAL TRANSFORMATION OF INFANCY. Identifiers: Orphanet 137675, MedGen C1708371, MONDO:0010771, OMIM 500000, HP:0005152.
Cardiomyopathy, infantile hypertrophic. Identifiers: MedGen C2748884, MONDO:0010777, OMIM 500006. Disease mechanism: loss of function.

Submissions (4):

ClinGen Mitochondrial Disease Nuclear and Mitochondrial  Variant Curation Expert Panel, ClinGen
Classification: Likely pathogenic for Mitochondrial disease. Last evaluated: 2022-06-30. Review status: reviewed by expert panel. Criteria: clingen mito disease acmg specifications v1-1. Collection method: curation. Allele origin: germline. Inheritance: Mitochondrial inheritance.
Comment: The m.8528T>C variant in MT-ATP6 (p.M1T), MT-ATP8 (p.W55R) has been reported in seven unrelated individuals with primary mitochondrial disease with lactic acidosis, hyperammonemia, and hypertrophic cardiomyopathy. The levels of the variant in affected individuals ranged from 15% to homoplasmic (PS4_moderate; PMIDs: 30642647, 33180048, 19188198). There are no reported de novo occurrences of this variant to our knowledge. The variant segregated with disease manifestations in three families. In the first report (PMID: 19188198), two healthy family members had lower levels of the variant than the proband (proband had variant at 92-98% in 5 tissues; unaffected mother had the variant at 15-25%; unaffected aunt at 0%). In the second report (PMID: 26803244), the proband had the variant present at 90% heteroplasmy in heart and 86% in fibroblasts at autopsy; the healthy mother had the variant present at 1.4% in fibroblasts. This variant is absent in the GenBank dataset, Helix dataset, and gnomAD v3.1.2 (PM2_supporting). There are no cybrids, single fiber studies, or other functional assays reported on this variant. The computational predictor APOGEE gives a consensus rating of pathogenic with a score of 0.63 (Min=0, Max=1), which predicts a damaging effect on gene function (PP3). In summary, this variant meets criteria to be classified as uncertain significance however, after extensive discussion, this Expert Panel elected to modify the classification to likely pathogenic given two gene products are affected by this variant and the consistent biochemical phenotype reported. This classification was approved by the NICHD/NINDS U24 Mitochondrial Disease Variant Curation Expert Panel on June 13, 2022. Mitochondrial DNA-specific ACMG/AMP criteria applied (PMID: 32906214): PS4_moderate, PP1, PM2_supporting, PP3.

Variantyx, Inc.
Classification: Likely pathogenic for Primary mitochondrial disorders. Last evaluated: 2025-03-17. Review status: criteria provided, single submitter. Criteria: Variantyx Assertion Criteria 2022. Collection method: clinical testing. Allele origin: germline. Affected: yes. Not counted in ClinVar's aggregate classification.
Comment: The m.8528T>C variant in MT-ATP6 (p.M1T), also reported as MT-ATP8 (p.W55R), has been identified in at least 4 unrelated affected individuals with primary mitochondrial disease (lactic acidosis, hyperammonemia, and hypertrophic cardiomyopathy) (PMID: 30642647, 33180048, 19188198, 26803244) (PS4_Moderate). This variant has been observed to segregate with disease in at least 7 individuals from 3 families, while unaffected family members may have lower to undetectable levels of the variant (PMID: 33180048, 19188198, 26803244.) (PP1). Computational algorithms support a deleterious effect on the gene or gene product (Aggregate Predicted Severity Score: 1) (PP3). This variant is absent from control populations (PM2). Other reputable laboratories have reported this variant as pathogenic or likely pathogenic, and this classification has been validated by an expert panel in ClinVar (PP5). Based on the current evidence, this variant is classified as likely pathogenic for primary mitochondrial disorders.

Wong Mito Lab, Molecular and Human Genetics, Baylor College of Medicine
Classification: Pathogenic for Histiocytoid cardiomyopathy. Last evaluated: 2019-10-17. Review status: criteria provided, single submitter. Criteria: Modified ACMG Guidelines (Unpublished). Collection method: clinical testing. Allele origin: germline. Not counted in ClinVar's aggregate classification.
Comment: The NC_012920.1:m.8528T>C (YP_003024031.1:p.Met1Thr) variant in MTATP6 gene (also (YP_003024030.1:p.Trp55Arg) variant in MTATP8 gene) is interpretated to be a Pathogenic variant based on the modified ACMG guidelines (unpublished). This variant meets the following evidence codes: PS3, PM8, PM9, PP4, PP6.

OMIM
Classification: Pathogenic for CARDIOMYOPATHY, INFANTILE HYPERTROPHIC. Last evaluated: 2009-05-01. Review status: no assertion criteria provided. Collection method: literature only. Allele origin: germline. Not counted in ClinVar's aggregate classification.

Literature cited by the submitters: PubMed 19188198 (cited by Wong Mito Lab, Molecular and Human Genetics, Baylor College of Medicine and OMIM); PubMed 26803244 (cited by Wong Mito Lab, Molecular and Human Genetics, Baylor College of Medicine).

NC_012920.1(MT-ATP8):m.8528T>C

Genes: MT-ATP6 (mitochondrially encoded ATP synthase 6; plus strand), MT-ATP8 (mitochondrially encoded ATP synthase 8; plus strand).
Variant type: single nucleotide variant.
Genome position: chrM-8528-T-C.
Other names: W55R; M1T.
Identifiers: ClinVar variation 9640 (VCV000009640.4), dbSNP rs387906422, ClinGen allele CA120595.